The following is an entry in ClinVar:

ClinVar aggregate classification (germline): Conflicting classifications of pathogenicity. Review status: criteria provided, conflicting classifications (1 of 4 stars). 11 submissions from 11 submitters: Uncertain significance (1); Likely benign (6). 4 of the submissions do not count toward it. Last evaluated 2025-10-18.

Conditions:
Cardiovascular phenotype. Identifiers: MedGen CN230736.
AKAP9-related disorder. Also called: AKAP9-related condition.
Long QT syndrome (LQTS). Identifiers: MedGen C0023976, MeSH D008133, MONDO:0002442. Disease mechanism: loss of function. Inheritance: Various modes of inheritance.
Long QT syndrome 11 (LQT11). Identifiers: Orphanet 101016, Orphanet 768, MedGen C2678483, MONDO:0012738, OMIM 611820.

Allele frequency attached by ClinVar (database versions not stated): 1000 Genomes Project 30x 0.00016; 1000 Genomes Project 0.00020; gnomAD exomes 0.00047 and 0.00065; ExAC 0.00054; gnomAD 0.00055 and 0.00058; TOPMed 0.00058; ESP Exome Variant Server 0.00069.
gnomAD v4.1: 805 of 1,614,086 alleles (0.05%); highest among the groups gnomAD compares: Middle Eastern, 1.4%; 10 homozygotes.

Submissions (11):

Labcorp Genetics (formerly Invitae), Labcorp
Classification: Likely benign for Long QT syndrome. Last evaluated: 2025-10-18. Review status: criteria provided, single submitter. Criteria: Invitae Variant Classification Sherloc (09022015). Collection method: clinical testing. Allele origin: germline.

Women's Health and Genetics/Laboratory Corporation of America, LabCorp
Classification: Likely benign. Last evaluated: 2025-02-10. Review status: criteria provided, single submitter. Criteria: LabCorp Variant Classification Summary - May 2015. Collection method: clinical testing. Allele origin: germline.
Comment: Variant summary: AKAP9 c.10459G>A (p.Glu3487Lys) results in a conservative amino acid change in the encoded protein sequence. Two of four in-silico tools predict a benign effect of the variant on protein function. The variant allele was found at a frequency of 0.00065 in 251340 control chromosomes, predominantly at a frequency of 0.00072 within the Non-Finnish European subpopulation in the gnomAD database, including 1 homozygote. The observed variant frequency within Non-Finnish European control individuals in the gnomAD database is approximately 216 fold of the estimated maximal expected allele frequency for a pathogenic variant in AKAP9 causing Long QT Syndrome phenotype (3.3e-06). c.10459G>A has been reported in the literature in individuals affected with Long QT Syndrome and Brugada syndrome, without strong evidence of causality (example: Ghouse_2015, van Lint_2019). These reports do not provide unequivocal conclusions about association of the variant with Long QT Syndrome. To our knowledge, no experimental evidence demonstrating an impact on protein function has been reported. The following publications have been ascertained in the context of this evaluation (PMID: 26159999, 30847666). ClinVar contains an entry for this variant (Variation ID: 191526). Based on the evidence outlined above, the variant was classified as likely benign.

Blueprint Genetics
Classification: Likely benign. Last evaluated: 2024-11-25. Review status: criteria provided, single submitter. Criteria: ACMG Guidelines, 2015. Collection method: clinical testing. Allele origin: germline.

Dept of Medical Biology, Uskudar University
Classification: Uncertain significance for Long QT syndrome. Last evaluated: 2024-01-08. Review status: criteria provided, single submitter. Criteria: Dept of Medical Biology Variant Classification. Collection method: research. Allele origin: maternal. Affected: yes. Observed: 1 variant allele.
Comment: Criteria: BS1

GeneDx
Classification: Likely benign. Last evaluated: 2020-05-26. Review status: criteria provided, single submitter. Criteria: GeneDx Variant Classification Process June 2021. Collection method: clinical testing. Allele origin: germline. Affected: yes.
Comment: This variant is associated with the following publications: (PMID: 30847666, 23861362)

Ambry Genetics
Classification: Likely benign for Cardiovascular phenotype. Last evaluated: 2019-01-28. Review status: criteria provided, single submitter. Criteria: Ambry Variant Classification Scheme 2023. Collection method: clinical testing. Allele origin: germline.

Biesecker Lab/Clinical Genomics Section, National Institutes of Health
Classification: Likely benign. Last evaluated: 2013-06-24. Review status: criteria provided, single submitter. Criteria: Ng et al. (Circ Cardiovasc Genet. 2013). Collection method: research. Allele origin: unknown. Observed: 3 variant alleles. Study: ClinSeq.
Comment: The study set was not selected for affection status in relation to any cancer. Pathogenicity categories were based on literature curation. See Pubmed ID:23861362 for details.

Medical sequencing

PreventionGenetics, part of Exact Sciences
Classification: Likely benign for AKAP9-related condition. Last evaluated: 2019-11-06. Review status: no assertion criteria provided. Collection method: clinical testing. Allele origin: germline. Not counted in ClinVar's aggregate classification.
Comment: This variant is classified as likely benign based on ACMG/AMP sequence variant interpretation guidelines (Richards et al. 2015 PMID: 25741868, with internal and published modifications).

Division of Human Genetics, Children's Hospital of Philadelphia
Classification: Uncertain significance for Long QT syndrome-11, 611820 (3). Last evaluated: 2014-12-19. Review status: no assertion criteria provided. Collection method: research. Allele origin: paternal. Affected: yes. Study: CSER-PediSeq. Not counted in ClinVar's aggregate classification.
Comment: The heterozygous variant in the AKAP9 gene (c.10459G>A; p.Glu3487Lys) is considered a VUS as this specific variant has not been previously published in the literature but has been seen in 66 individuals in the ExAC database (out of 122834 screened at this position). The amino acid change is non-conservative while the position is conserved only in mammals while the nucleotide position is moderately conserved.

Clinical Genetics, Academic Medical Center
Classification: Likely benign. Review status: no assertion criteria provided. Collection method: clinical testing. Allele origin: germline. Affected: yes. Study: VKGL Data-share Consensus. Not counted in ClinVar's aggregate classification.

Joint Genome Diagnostic Labs from Nijmegen and Maastricht, Radboudumc and MUMC+
Classification: Likely benign. Review status: no assertion criteria provided. Collection method: clinical testing. Allele origin: germline. Affected: yes. Study: VKGL Data-share Consensus. Not counted in ClinVar's aggregate classification.

Literature cited by the submitters: PubMed 26159999 (cited by Women's Health and Genetics/Laboratory Corporation of America, LabCorp); PubMed 30847666 (cited by Women's Health and Genetics/Laboratory Corporation of America, LabCorp).

NM_005751.5(AKAP9):c.10459G>A (p.Glu3487Lys)

Gene: AKAP9 (A-kinase anchoring protein 9; plus strand). Cytogenetic location: 7q21.2.
Variant type: single nucleotide variant.
Coding change: c.10459G>A on transcript NM_005751.5 (MANE Select); coding-DNA position 10459, G replaced by A.
Protein change: p.Glu3487Lys; replaces glutamic acid 3487 with lysine.
Molecular consequence: missense variant.
Genome position (GRCh38, 1-based): chr7:92,097,646, G>A. VCF-style: chr7-92097646-G-A. GRCh37 (hg19) VCF-style: chr7-91726960-G-A.
Other names: rs61757664; c.5104G>A, p.Glu1702Lys (NM_001379277.1); c.10435G>A, p.Glu3479Lys (NM_147185.3); short protein forms E3487K, E3479K, E1702K.
Identifiers: ClinVar variation 191526 (VCV000191526.46), dbSNP rs61757664, ClinGen allele CA236900.